The following is an entry in ClinVar:

ClinVar aggregate classification (germline): Uncertain significance (1 of 4 stars; one submission).

Submission:

GeneDx
Classification: Uncertain significance. Last evaluated: 2023-07-24. Review status: criteria provided, single submitter. Criteria: GeneDx Variant Classification Process June 2021. Collection method: clinical testing. Allele origin: germline. Affected: yes.
Comment: Not observed at significant frequency in large population cohorts (gnomAD); In silico analysis supports that this missense variant has a deleterious effect on protein structure/function; Has not been previously published as pathogenic or benign to our knowledge

NM_006421.5(ARFGEF1):c.4913C>T (p.Pro1638Leu)

Gene: ARFGEF1 (ARF guanine nucleotide exchange factor 1; minus strand). Cytogenetic location: 8q13.2.
Variant type: single nucleotide variant.
Coding change: c.4913C>T on transcript NM_006421.5 (MANE Select); coding-DNA position 4913, C replaced by T.
Protein change: p.Pro1638Leu; replaces proline 1638 with leucine.
Molecular consequence: missense variant. On other transcripts: non-coding transcript variant (1), intron variant (2).
Genome position (GRCh38, 1-based): chr8:67,204,726, G>A on the plus strand (C>T on the coding strand, the complement: ARFGEF1 is on the minus strand). VCF-style: chr8-67204726-G-A. GRCh37 (hg19) VCF-style: chr8-68116961-G-A.
Other names: c.4913C>T, p.Pro1638Leu (NM_001413184.1, NM_001413187.1, NM_001413194.1); c.4895C>T, p.Pro1632Leu (NM_001413185.1, NM_001413186.1, NM_001413189.1); c.4313C>T, p.Pro1438Leu (NM_001413188.1, NM_001413197.1); c.4907C>T, p.Pro1636Leu (NM_001413190.1); c.4295C>T, p.Pro1432Leu (NM_001413193.1); c.3488C>T, p.Pro1163Leu (NM_001413196.1); c.4802-3C>T (NM_001413192.1); c.4820-3C>T (NM_001413191.1); short protein forms P1163L, P1432L, P1438L, P1632L, P1636L, P1638L.
Identifiers: ClinVar variation 3361506 (VCV003361506.1).